The following is an entry in ClinVar:

ClinVar aggregate classification (germline): Conflicting classifications of pathogenicity. Review status: criteria provided, conflicting classifications (1 of 4 stars). 7 submissions from 7 submitters: Uncertain significance (1); Likely benign (3). 3 of the submissions do not count toward it. Last evaluated 2026-06-20.

Conditions:
KIF1A-related disorder. Also called: KIF1A-related disorders; KIF1A-related condition.
Hereditary spastic paraplegia 30. Identifiers: Orphanet 101010, MedGen C5235139, MONDO:0012476.
Neuropathy, hereditary sensory, type 2C. Also called: Hereditary sensory and autonomic neuropathy type IIC; KIF1A-Related HSAN2 (HSAN2C). Identifiers: Orphanet 970, MedGen C3280168, MONDO:0013634, OMIM 614213.
Intellectual disability, autosomal dominant 9 (NESCAVS). Also called: KIF1A-Related Neurodevelopmental Disorder; NESCAV SYNDROME. Identifiers: Orphanet 662367, MedGen C5393830, MONDO:0013656, OMIM 614255.

Allele frequency attached by ClinVar (database versions not stated): gnomAD exomes 0.00014 and 0.00005; 1000 Genomes Project 30x 0.00016; 1000 Genomes Project 0.00020; gnomAD 0.00005 and 0.00007; ExAC 0.00007; TOPMed 0.00008.
gnomAD v4.1: 221 of 1,608,550 alleles (0.014%); highest among the groups gnomAD compares: Non-Finnish European, 0.017%; no homozygotes.

Submissions (7):

PreventionGenetics, part of Exact Sciences
Classification: Likely benign for KIF1A-related condition. Last evaluated: 2026-06-20. Review status: criteria provided, single submitter. Criteria: ACMG Guidelines, 2015. Collection method: clinical testing. Allele origin: germline.
Comment: This variant is classified as likely benign based on ACMG/AMP sequence variant interpretation guidelines (Richards et al. 2015 PMID: 25741868, with internal and published modifications).

Labcorp Genetics (formerly Invitae), Labcorp
Classification: Likely benign for Hereditary spastic paraplegia 30; Neuropathy, hereditary sensory, type 2C; Intellectual disability, autosomal dominant 9. Last evaluated: 2025-12-30. Review status: criteria provided, single submitter. Criteria: Invitae Variant Classification Sherloc (09022015). Collection method: clinical testing. Allele origin: germline.

Blueprint Genetics
Classification: Likely benign. Last evaluated: 2024-11-04. Review status: criteria provided, single submitter. Criteria: ACMG Guidelines, 2015. Collection method: clinical testing. Allele origin: germline.

Genetic Services Laboratory, University of Chicago
Classification: Uncertain significance. Last evaluated: 2018-06-05. Review status: criteria provided, single submitter. Criteria: ACMG Guidelines, 2015. Collection method: clinical testing. Allele origin: germline. Affected: no.

Clinical Genetics DNA and cytogenetics Diagnostics Lab, Erasmus MC, Erasmus Medical Center
Classification: Likely benign. Review status: no assertion criteria provided. Collection method: clinical testing. Allele origin: germline. Affected: yes. Study: VKGL Data-share Consensus. Not counted in ClinVar's aggregate classification.

Clinical Genetics, Academic Medical Center
Classification: Likely benign. Review status: no assertion criteria provided. Collection method: clinical testing. Allele origin: germline. Affected: yes. Study: VKGL Data-share Consensus. Not counted in ClinVar's aggregate classification.

Laboratory of Diagnostic Genome Analysis, Leiden University Medical Center (LUMC)
Classification: Likely benign. Review status: no assertion criteria provided. Collection method: clinical testing. Allele origin: germline. Affected: yes. Study: VKGL Data-share Consensus. Not counted in ClinVar's aggregate classification.

NM_001244008.2(KIF1A):c.1949+7C>T

Gene: KIF1A (kinesin family member 1A; minus strand). Cytogenetic location: 2q37.3.
Variant type: single nucleotide variant.
Coding change: c.1949+7C>T on transcript NM_001244008.2 (MANE Select); 7 bases into the intron after coding-DNA position 1949, C replaced by T.
Molecular consequence: intron variant.
Genome position (GRCh38, 1-based): chr2:240,763,159, G>A on the plus strand (C>T on the coding strand, the complement: KIF1A is on the minus strand). VCF-style: chr2-240763159-G-A. GRCh37 (hg19) VCF-style: chr2-241702576-G-A.
Other names: c.1922+7C>T (NM_001379653.1, NM_001379650.1, NM_001379645.1 and 10 more transcripts); c.2024+7C>T (NM_001379635.1, NM_001330290.2, NM_001379646.1 and 2 more transcripts); c.1997+7C>T (NM_001379637.1, NM_001379648.1); c.1949+7C>T (NM_001320705.2, NM_001379638.1, NM_001330289.2 and 1 more transcripts).
Identifiers: ClinVar variation 1145362 (VCV001145362.17), dbSNP rs555750413, ClinGen allele CA2208253.